The following is an entry in ClinVar:

ClinVar aggregate classification (germline): Uncertain significance (1 of 4 stars; one submission).

Conditions:
Sclerosteosis 2 (SOST2). Identifiers: Orphanet 3152, MedGen C3280402, MONDO:0013679, OMIM 614305.
Cenani-Lenz syndactyly syndrome. Also called: CENANI SYNDACTYLISM; SYNDACTYLY, TYPE VII. Identifiers: Orphanet 3258, MedGen C1859309, MONDO:0008931, OMIM 212780.
Congenital myasthenic syndrome 17. Identifiers: Orphanet 590, MedGen C4225377, MONDO:0014578, OMIM 616304.

Allele frequency attached by ClinVar (database versions not stated): gnomAD exomes below 0.00001; ExAC 0.00001.
gnomAD v4.1: 1 of 1,614,054 alleles (0.000062%); highest among the groups gnomAD compares: South Asian, 0.0011%; no homozygotes.

Submission:

Labcorp Genetics (formerly Invitae), Labcorp
Classification: Uncertain significance for Cenani-Lenz syndactyly syndrome; Sclerosteosis 2; Congenital myasthenic syndrome 17. Last evaluated: 2022-07-06. Review status: criteria provided, single submitter. Criteria: Invitae Variant Classification Sherloc (09022015). Collection method: clinical testing. Allele origin: germline.
Comment: This sequence change replaces leucine, which is neutral and non-polar, with valine, which is neutral and non-polar, at codon 553 of the LRP4 protein (p.Leu553Val). The frequency data for this variant in the population databases is considered unreliable, as metrics indicate poor data quality at this position in the gnomAD database. This variant has not been reported in the literature in individuals affected with LRP4-related conditions. ClinVar contains an entry for this variant (Variation ID: 1402976). Algorithms developed to predict the effect of missense changes on protein structure and function are either unavailable or do not agree on the potential impact of this missense change (SIFT: "Deleterious"; PolyPhen-2: "Benign"; Align-GVGD: "Class C0"). In summary, the available evidence is currently insufficient to determine the role of this variant in disease. Therefore, it has been classified as a Variant of Uncertain Significance.

NM_002334.4(LRP4):c.1657C>G (p.Leu553Val)

Gene: LRP4 (LDL receptor related protein 4; minus strand). Cytogenetic location: 11p11.2.
Variant type: single nucleotide variant.
Coding change: c.1657C>G on transcript NM_002334.4 (MANE Select); coding-DNA position 1657, C replaced by G.
Protein change: p.Leu553Val; replaces leucine 553 with valine.
Molecular consequence: missense variant.
Genome position (GRCh38, 1-based): chr11:46,893,013, G>C on the plus strand (C>G on the coding strand, the complement: LRP4 is on the minus strand). VCF-style: chr11-46893013-G-C. GRCh37 (hg19) VCF-style: chr11-46914564-G-C.
Other names: short protein forms L553V.
Identifiers: ClinVar variation 1402976 (VCV001402976.6), dbSNP rs751911145, ClinGen allele CA5970096.
Genomic context (GRCh38, chr11:46,893,013, plus strand): 5'-GAGCCTGAGATACAACTTACCCCTCCATGGGATGCAAGGCAATGGCCCGGGGCTTCTCCA[G>C]GTTCTGCCACAGCAACACTTTCCGGTGGGCCCCATCCAGATTGGCCACCTCAATCCTCGA-3'
Protein context (NP_002325.2, residues 543-563): AHRKVLLWQN[Leu553Val]EKPRAIALHP